The following is an entry in ClinVar:

ClinVar aggregate classification (germline): Uncertain significance (1 of 4 stars; one submission).

Conditions:
Inborn genetic diseases. Identifiers: MedGen C0950123, MeSH D030342.

Submission:

Ambry Genetics
Classification: Uncertain significance for Inborn genetic diseases. Last evaluated: 2025-10-20. Review status: criteria provided, single submitter. Criteria: Ambry Variant Classification Scheme 2023. Collection method: clinical testing. Allele origin: germline.
Comment: The c.11866-1G>A intronic alteration consists of a G to A substitution one nucleotide before Intron 63 of the DYNC1H1 gene. Alterations that disrupt the canonical splice acceptor site are typically deleterious in nature (Richards, 2015). This variant was not reported in population-based cohorts in the Genome Aggregation Database (gnomAD). Based on insufficient or conflicting evidence, the clinical significance of this alteration remains unclear.

NM_001376.5(DYNC1H1):c.11866-1G>A

Gene: DYNC1H1 (dynein cytoplasmic 1 heavy chain 1; plus strand). Cytogenetic location: 14q32.31.
Variant type: single nucleotide variant.
Coding change: c.11866-1G>A on transcript NM_001376.5 (MANE Select); the canonical splice acceptor site of the intron before coding-DNA position 11866, G replaced by A.
Molecular consequence: splice acceptor variant.
Genome position (GRCh38, 1-based): chr14:102,040,597, G>A. VCF-style: chr14-102040597-G-A. GRCh37 (hg19) VCF-style: chr14-102506934-G-A.
Identifiers: ClinVar variation 4618100 (VCV004618100.1).